The following is an entry in ClinVar:

NM_018077.3(RBM28):c.306G>A (p.Pro102=)

Gene: RBM28 (RNA binding motif protein 28; minus strand). Cytogenetic location: 7q32.1.
Variant type: single nucleotide variant.
Coding change: c.306G>A on transcript NM_018077.3 (MANE Select); coding-DNA position 306, G replaced by A.
Protein change: p.Pro102=; no amino-acid change (proline 102 retained).
Molecular consequence: synonymous variant. On other transcripts: intron variant (1).
Genome position (GRCh38, 1-based): chr7:128,339,293, C>T on the plus strand (G>A on the coding strand, the complement: RBM28 is on the minus strand). VCF-style: chr7-128339293-C-T. GRCh37 (hg19) VCF-style: chr7-127979347-C-T.
Other names: c.119-2091G>A (NM_001166135.2).
Identifiers: ClinVar variation 711886 (VCV000711886.28), dbSNP rs61733107, ClinGen allele CA4470367.

ClinVar aggregate classification (germline): Benign/Likely benign. Review status: criteria provided, multiple submitters, no conflicts (2 of 4 stars). 4 submissions from 4 submitters: Benign (2); Likely benign (2). Last evaluated 2024-11-22.

Allele frequency attached by ClinVar (database versions not stated): gnomAD 0.00137 and 0.00144; gnomAD exomes 0.00141 and 0.00191; ESP Exome Variant Server 0.00177; TOPMed 0.00179; ExAC 0.00189; 1000 Genomes Project 30x 0.00203; 1000 Genomes Project 0.00240.
gnomAD v4.1: 2,342 of 1,613,178 alleles (0.15%); highest among the groups gnomAD compares: Middle Eastern, 0.43%; 6 homozygotes.

Submissions (4):

Blueprint Genetics
Classification: Likely benign. Last evaluated: 2024-11-22. Review status: criteria provided, single submitter. Criteria: ACMG Guidelines, 2015. Collection method: clinical testing. Allele origin: germline.

CeGaT Center for Human Genetics Tuebingen
Classification: Likely benign. Last evaluated: 2024-02-01. Review status: criteria provided, single submitter. Criteria: CeGaT Center For Human Genetics Tuebingen Variant Classification Criteria Version 2. Collection method: clinical testing. Allele origin: germline. Affected: yes. Observed: 1 variant allele.
Comment: RBM28: BP4, BP7

Labcorp Genetics (formerly Invitae), Labcorp
Classification: Benign. Last evaluated: 2019-12-31. Review status: criteria provided, single submitter. Criteria: Invitae Variant Classification Sherloc (09022015). Collection method: clinical testing. Allele origin: germline.

Breakthrough Genomics
Classification: Benign. Review status: criteria provided, single submitter. Criteria: ACMG Guidelines, 2015. Collection method: not provided. Allele origin: germline. Inheritance: Autosomal recessive inheritance. Affected: yes.